The following is an entry in ClinVar:

NM_022455.5(NSD1):c.2708C>G (p.Pro903Arg)

Gene: NSD1 (nuclear receptor binding SET domain protein 1; plus strand). Cytogenetic location: 5q35.3.
Variant type: single nucleotide variant.
Coding change: c.2708C>G on transcript NM_022455.5 (MANE Select); coding-DNA position 2708, C replaced by G.
Protein change: p.Pro903Arg; replaces proline 903 with arginine.
Molecular consequence: missense variant.
Genome position (GRCh38, 1-based): chr5:177,211,107, C>G. VCF-style: chr5-177211107-C-G. GRCh37 (hg19) VCF-style: chr5-176638108-C-G.
Other names: c.1835C>G, p.Pro612Arg (NM_001365684.2, NM_001409306.1, NM_001409307.1 and 3 more transcripts); c.2708C>G, p.Pro903Arg (NM_001409301.1, NM_001409302.1, NM_001409303.1); c.2288C>G, p.Pro763Arg (NM_001409304.1); c.1955C>G, p.Pro652Arg (NM_001409305.1); short protein forms P652R, P612R, P763R, P903R.
Identifiers: ClinVar variation 3688879 (VCV003688879.3).

ClinVar aggregate classification (germline): Uncertain significance. Review status: criteria provided, multiple submitters, no conflicts (2 of 4 stars). 2 submissions from 2 submitters: Uncertain significance (2). Last evaluated 2026-02-03.

Conditions:
NSD1-related disorder. Also called: NSD1-related condition.

gnomAD v4.1: 1 of 1,614,156 alleles (0.000062%); no homozygotes.

Submissions (2):

Labcorp Genetics (formerly Invitae), Labcorp
Classification: Uncertain significance. Last evaluated: 2026-02-03. Review status: criteria provided, single submitter. Criteria: Invitae Variant Classification Sherloc (09022015). Collection method: clinical testing. Allele origin: germline.
Comment: This sequence change replaces proline, which is neutral and non-polar, with arginine, which is basic and polar, at codon 903 of the NSD1 protein (p.Pro903Arg). This variant is not present in population databases (gnomAD no frequency). This variant has not been reported in the literature in individuals affected with NSD1-related conditions. ClinVar contains an entry for this variant (Variation ID: 3688879). Invitae Evidence Modeling of protein sequence and biophysical properties (such as structural, functional, and spatial information, amino acid conservation, physicochemical variation, residue mobility, and thermodynamic stability) has been performed for this missense variant. However, the output from this modeling did not meet the statistical confidence thresholds required to predict the impact of this variant on NSD1 protein function. In summary, the available evidence is currently insufficient to determine the role of this variant in disease. Therefore, it has been classified as a Variant of Uncertain Significance.

PreventionGenetics, part of Exact Sciences
Classification: Uncertain significance for NSD1-related condition. Last evaluated: 2025-10-15. Review status: criteria provided, single submitter. Criteria: ACMG Guidelines, 2015. Collection method: clinical testing. Allele origin: germline.
Comment: The NSD1 c.2708C>G variant is predicted to result in the amino acid substitution p.Pro903Arg. To our knowledge, this variant has not been reported in the literature or in a large population database (gnomAD), indicating this variant is rare. At this time, the clinical significance of this variant is uncertain due to the absence of conclusive functional and genetic evidence.